The following is an entry in ClinVar:

ClinVar aggregate classification (germline): Uncertain significance (1 of 4 stars; one submission).

Submission:

Labcorp Genetics (formerly Invitae), Labcorp
Classification: Uncertain significance. Last evaluated: 2024-10-15. Review status: criteria provided, single submitter. Criteria: Invitae Variant Classification Sherloc (09022015). Collection method: clinical testing. Allele origin: germline.
Comment: This sequence change replaces glycine, which is neutral and non-polar, with arginine, which is basic and polar, at codon 493 of the SLC26A4 protein (p.Gly493Arg). This variant is not present in population databases (gnomAD no frequency). This variant has not been reported in the literature in individuals affected with SLC26A4-related conditions. ClinVar contains an entry for this variant (Variation ID: 1990943). Invitae Evidence Modeling of protein sequence and biophysical properties (such as structural, functional, and spatial information, amino acid conservation, physicochemical variation, residue mobility, and thermodynamic stability) indicates that this missense variant is expected to disrupt SLC26A4 protein function with a positive predictive value of 95%. In summary, the available evidence is currently insufficient to determine the role of this variant in disease. Therefore, it has been classified as a Variant of Uncertain Significance.

NM_000441.2(SLC26A4):c.1477G>C (p.Gly493Arg)

Gene: SLC26A4 (solute carrier family 26 member 4; plus strand). Cytogenetic location: 7q22.3.
Variant type: single nucleotide variant.
Coding change: c.1477G>C on transcript NM_000441.2 (MANE Select); coding-DNA position 1477, G replaced by C.
Protein change: p.Gly493Arg; replaces glycine 493 with arginine.
Molecular consequence: missense variant.
Genome position (GRCh38, 1-based): chr7:107,695,972, G>C. VCF-style: chr7-107695972-G-C. GRCh37 (hg19) VCF-style: chr7-107336417-G-C.
Other names: short protein forms G493R.
Identifiers: ClinVar variation 1990943 (VCV001990943.3), dbSNP rs767561443, ClinGen allele CA368841256.